The following is an entry in ClinVar:

NM_006642.5(SDCCAG8):c.309G>T (p.Arg103Ser)

Gene: SDCCAG8 (SHH signaling and ciliogenesis regulator SDCCAG8; plus strand). Cytogenetic location: 1q43.
Variant type: single nucleotide variant.
Coding change: c.309G>T on transcript NM_006642.5 (MANE Select); coding-DNA position 309, G replaced by T.
Protein change: p.Arg103Ser; replaces arginine 103 with serine.
Molecular consequence: missense variant. On other transcripts: 5 prime UTR variant (3).
Genome position (GRCh38, 1-based): chr1:243,274,545, G>T. VCF-style: chr1-243274545-G-T. GRCh37 (hg19) VCF-style: chr1-243437847-G-T.
Other names: c.-804G>T (NM_001350246.2); c.-692G>T (NM_001350247.2); c.309G>T, p.Arg103Ser (NM_001350248.2); c.15G>T, p.Arg5Ser (NM_001350249.2); c.-1065G>T (NM_001350251.2); short protein forms R5S, R103S.
Identifiers: ClinVar variation 1994101 (VCV001994101.4), dbSNP rs1401145435, ClinGen allele CA345476822.

ClinVar aggregate classification (germline): Uncertain significance (1 of 4 stars; one submission).

Conditions:
Bardet-Biedl syndrome 16 (BBS16). Identifiers: Orphanet 110, MedGen C3889474, MONDO:0014444, OMIM 615993.
Senior-Loken syndrome 7 (SLSN7). Identifiers: Orphanet 3156, MedGen C3150877, MONDO:0013326, OMIM 613615.

gnomAD v4.1: 4 of 1,533,620 alleles (0.00026%); highest among the groups gnomAD compares: East Asian, 0.0045%; no homozygotes.

Submission:

Labcorp Genetics (formerly Invitae), Labcorp
Classification: Uncertain significance for Bardet-Biedl syndrome 16; Senior-Loken syndrome 7. Last evaluated: 2024-11-11. Review status: criteria provided, single submitter. Criteria: Invitae Variant Classification Sherloc (09022015). Collection method: clinical testing. Allele origin: germline.
Comment: This sequence change replaces arginine, which is basic and polar, with serine, which is neutral and polar, at codon 103 of the SDCCAG8 protein (p.Arg103Ser). This variant is present in population databases (no rsID available, gnomAD 0.006%). This variant has not been reported in the literature in individuals affected with SDCCAG8-related conditions. ClinVar contains an entry for this variant (Variation ID: 1994101). An algorithm developed to predict the effect of missense changes on protein structure and function outputs the following: PolyPhen-2: "Benign". The serine amino acid residue is found in multiple mammalian species, which suggests that this missense change does not adversely affect protein function. In summary, the available evidence is currently insufficient to determine the role of this variant in disease. Therefore, it has been classified as a Variant of Uncertain Significance.